The following is an entry in ClinVar:

ClinVar aggregate classification (germline): Uncertain significance (1 of 4 stars; one submission).

Conditions:
Familial thoracic aortic aneurysm and aortic dissection (TAAD). Also called: Thoracic aortic aneurysms and dissections. Identifiers: Orphanet 91387, MedGen C4707243, MONDO:0019625.

Submission:

Labcorp Genetics (formerly Invitae), Labcorp
Classification: Uncertain significance for Familial thoracic aortic aneurysm and aortic dissection. Last evaluated: 2018-10-31. Review status: criteria provided, single submitter. Criteria: Invitae Variant Classification Sherloc (09022015). Collection method: clinical testing. Allele origin: germline.
Comment: In summary, the available evidence is currently insufficient to determine the role of this variant in disease. Therefore, it has been classified as a Variant of Uncertain Significance. This variant disrupts thep.Met318 amino acid residue in TGFBR1. Other variant(s) that disrupt this residue have been observed in affected individuals (PMID: 15731757), suggesting that it is a clinically significant residue. As a result, variants that disrupt this residue are likely to be causative of disease. Algorithms developed to predict the effect of missense changes on protein structure and function are either unavailable or do not agree on the potential impact of this missense change (SIFT: "Tolerated"; PolyPhen-2: "Possibly Damaging"; Align-GVGD: "Class C0"). This variant is not present in population databases (ExAC no frequency). This sequence change replaces methionine with leucine at codon 318 of the TGFBR1 protein (p.Met318Leu). The methionine residue is highly conserved and there is a small physicochemical difference between methionine and leucine.

Literature cited by the submitters: PubMed 15731757.

NM_004612.4(TGFBR1):c.952A>T (p.Met318Leu)

Gene: TGFBR1 (transforming growth factor beta receptor 1; plus strand). Cytogenetic location: 9q22.33.
Variant type: single nucleotide variant.
Coding change: c.952A>T on transcript NM_004612.4 (MANE Select); coding-DNA position 952, A replaced by T.
Protein change: p.Met318Leu; replaces methionine 318 with leucine.
Molecular consequence: missense variant.
Genome position (GRCh38, 1-based): chr9:99,142,682, A>T. VCF-style: chr9-99142682-A-T. GRCh37 (hg19) VCF-style: chr9-101904964-A-T.
Other names: c.721A>T, p.Met241Leu (NM_001130916.3); c.964A>T, p.Met322Leu (NM_001306210.2); short protein forms M322L, M241L, M318L.
Identifiers: ClinVar variation 664016 (VCV000664016.9), dbSNP rs752190665, ClinGen allele CA374230800.